The following is an entry in ClinVar:

NM_000059.4(BRCA2):c.2204C>G (p.Ala735Gly)

Gene: BRCA2 (BRCA2 DNA repair associated; plus strand). Cytogenetic location: 13q13.1.
Variant type: single nucleotide variant.
Coding change: c.2204C>G on transcript NM_000059.4 (MANE Select); coding-DNA position 2204, C replaced by G.
Protein change: p.Ala735Gly; replaces alanine 735 with glycine.
Molecular consequence: missense variant.
Genome position (GRCh38, 1-based): chr13:32,336,559, C>G. VCF-style: chr13-32336559-C-G. GRCh37 (hg19) VCF-style: chr13-32910696-C-G.
Other names: short protein forms A735G.
Identifiers: ClinVar variation 937594 (VCV000937594.8), dbSNP rs2072452438, ClinGen allele CA387770535.

ClinVar aggregate classification (germline): Conflicting classifications of pathogenicity. Review status: criteria provided, conflicting classifications (1 of 4 stars). 2 submissions from 2 submitters: Uncertain significance (1); Likely benign (1). Last evaluated 2023-03-23.

Conditions:
Hereditary cancer-predisposing syndrome. Also called: Tumor predisposition; Hereditary neoplastic syndrome; Hereditary Cancer Syndrome; Neoplastic Syndromes, Hereditary. Identifiers: Orphanet 140162, MedGen C0027672, MeSH D009386, MONDO:0015356.
Hereditary breast ovarian cancer syndrome. Also called: BRCA1- and BRCA2-Associated Hereditary Breast and Ovarian Cancer; Hereditary breast and/or ovarian cancer syndrome; Hereditary breast and ovarian cancer syndrome; Hereditary breast and ovarian cancer; Breast and ovarian cancer; Hereditary breast and ovarian cancer syndrome (HBOC). Identifiers: Orphanet 145, MedGen C0677776, MeSH D061325, MONDO:0003582. Disease mechanism: loss of function.

Submissions (2):

University of Washington Department of Laboratory Medicine, University of Washington
Classification: Likely benign for Hereditary cancer-predisposing syndrome. Last evaluated: 2023-03-23. Review status: criteria provided, single submitter. Criteria: Dines et al. (Genet Med. 2020). Collection method: curation. Allele origin: germline.
Comment: Missense variant in a coldspot region where missense variants are very unlikely to be pathogenic (PMID:31911673).

BRCA2 exon 11 coldspot. Reclassification based on statistical prior probability.

Labcorp Genetics (formerly Invitae), Labcorp
Classification: Uncertain significance for Hereditary breast ovarian cancer syndrome. Last evaluated: 2019-09-11. Review status: criteria provided, single submitter. Criteria: Invitae Variant Classification Sherloc (09022015). Collection method: clinical testing. Allele origin: germline.
Comment: In summary, the available evidence is currently insufficient to determine the role of this variant in disease. Therefore, it has been classified as a Variant of Uncertain Significance. Algorithms developed to predict the effect of missense changes on protein structure and function (SIFT, PolyPhen-2, Align-GVGD) all suggest that this variant is likely to be tolerated, but these predictions have not been confirmed by published functional studies and their clinical significance is uncertain. This variant has not been reported in the literature in individuals with BRCA2-related conditions. This variant is not present in population databases (ExAC no frequency). This sequence change replaces alanine with glycine at codon 735 of the BRCA2 protein (p.Ala735Gly). The alanine residue is weakly conserved and there is a small physicochemical difference between alanine and glycine.